The following is an entry in ClinVar:

ClinVar aggregate classification (germline): Uncertain significance (1 of 4 stars; one submission).

Conditions:
Gastrointestinal stromal tumor. Also called: Gastrointestinal stromal tumor, somatic; Gastrointestinal stroma tumor. Identifiers: Orphanet 44890, MedGen C0238198, MeSH D046152, MONDO:0011719, OMIM 606764, HP:0100723.

Submission:

Labcorp Genetics (formerly Invitae), Labcorp
Classification: Uncertain significance for Gastrointestinal stromal tumor. Last evaluated: 2024-10-17. Review status: criteria provided, single submitter. Criteria: Invitae Variant Classification Sherloc (09022015). Collection method: clinical testing. Allele origin: germline.
Comment: This sequence change replaces lysine, which is basic and polar, with threonine, which is neutral and polar, at codon 931 of the PDGFRA protein (p.Lys931Thr). This variant is not present in population databases (gnomAD no frequency). This variant has not been reported in the literature in individuals affected with PDGFRA-related conditions. ClinVar contains an entry for this variant (Variation ID: 1036196). Invitae Evidence Modeling of protein sequence and biophysical properties (such as structural, functional, and spatial information, amino acid conservation, physicochemical variation, residue mobility, and thermodynamic stability) has been performed for this missense variant. However, the output from this modeling did not meet the statistical confidence thresholds required to predict the impact of this variant on PDGFRA protein function. In summary, the available evidence is currently insufficient to determine the role of this variant in disease. Therefore, it has been classified as a Variant of Uncertain Significance.

NM_006206.6(PDGFRA):c.2792A>C (p.Lys931Thr)

Gene: PDGFRA (platelet derived growth factor receptor alpha; plus strand). Cytogenetic location: 4q12.
Variant type: single nucleotide variant.
Coding change: c.2792A>C on transcript NM_006206.6 (MANE Select); coding-DNA position 2792, A replaced by C.
Protein change: p.Lys931Thr; replaces lysine 931 with threonine.
Molecular consequence: missense variant.
Genome position (GRCh38, 1-based): chr4:54,289,026, A>C. VCF-style: chr4-54289026-A-C. GRCh37 (hg19) VCF-style: chr4-55155193-A-C.
Other names: c.2867A>C, p.Lys956Thr (NM_001347828.2); c.2792A>C, p.Lys931Thr (NM_001347829.2); c.2831A>C, p.Lys944Thr (NM_001347830.2); short protein forms K956T, K931T, K944T.
Identifiers: ClinVar variation 1036196 (VCV001036196.9), dbSNP rs1724499165, ClinGen allele CA356895680.
Genomic context (GRCh38, chr4:54,289,026, plus strand): 5'-TGAGACTTCCCCCTGTGCCCACTCTTGAGTTCTGTCCCCACAGCTACGAGATCATGGTGA[A>C]ATGCTGGAACAGTGAGCCGGAGAAGAGACCCTCCTTTTACCACCTGAGTGAGATTGTGGA-3'
Protein context (NP_006197.1, residues 921-941): ATSEVYEIMV[Lys931Thr]CWNSEPEKRP